The following is an entry in ClinVar:

NM_000277.3(PAH):c.353-2A>C

Gene: PAH (phenylalanine hydroxylase; minus strand). Cytogenetic location: 12q23.2.
Variant type: single nucleotide variant.
Coding change: c.353-2A>C on transcript NM_000277.3 (MANE Select); the canonical splice acceptor site of the intron before coding-DNA position 353, A replaced by C.
Molecular consequence: splice acceptor variant.
Genome position (GRCh38, 1-based): chr12:102,877,552, T>G on the plus strand (A>C on the coding strand, the complement: PAH is on the minus strand). VCF-style: chr12-102877552-T-G. GRCh37 (hg19) VCF-style: chr12-103271330-T-G.
Other names: c.353-2A>C (NM_001354304.2).
Identifiers: ClinVar variation 3644113 (VCV003644113.2).
Genomic context (GRCh38, chr12:102,877,552, plus strand): 5'-GCTGAGAATCTGATTGGCAAATCTGTCCAGCTCTTGAATGGTTCTTGGGAACCAGGGCAC[T>G]GAAACACAGAGAAGGCAACGTCCTGAGTACAGATTGGCAGAACATGGCCAAAGGCCTTGC-3'

ClinVar aggregate classification (germline): Pathogenic (1 of 4 stars; one submission).

Conditions:
Phenylketonuria (PKU). Also called: FOLLING DISEASE; OLIGOPHRENIA PHENYLPYRUVICA; Phenylketonurias; Phenylketonuria (PKU). Identifiers: Orphanet 716, MedGen C0031485, MONDO:0009861, OMIM 261600. Disease mechanism: loss of function.

Submission:

Labcorp Genetics (formerly Invitae), Labcorp
Classification: Pathogenic for Phenylketonuria. Last evaluated: 2024-03-02. Review status: criteria provided, single submitter. Criteria: Invitae Variant Classification Sherloc (09022015). Collection method: clinical testing. Allele origin: germline.
Comment: This sequence change affects an acceptor splice site in intron 3 of the PAH gene. It is expected to disrupt RNA splicing. Variants that disrupt the donor or acceptor splice site typically lead to a loss of protein function (PMID: 16199547), and loss-of-function variants in PAH are known to be pathogenic (PMID: 1301187, 9634518). This variant is not present in population databases (gnomAD no frequency). Disruption of this splice site has been observed in individual(s) with phenylketonuria (PMID: 10234516, 19444284). Algorithms developed to predict the effect of sequence changes on RNA splicing suggest that this variant may disrupt the consensus splice site. For these reasons, this variant has been classified as Pathogenic.

Literature cited by the submitters: PubMed 16199547; PubMed 1301187; PubMed 9634518; PubMed 10234516; PubMed 19444284.